The following is an entry in ClinVar:

ClinVar aggregate classification (germline): Uncertain significance (1 of 4 stars; one submission).

Conditions:
RASopathy. Also called: Noonan spectrum disorder; rasopathies. Identifiers: Orphanet 536391, MedGen C5555857, MONDO:0021060.

Submission:

Labcorp Genetics (formerly Invitae), Labcorp
Classification: Uncertain significance for RASopathy. Last evaluated: 2024-05-31. Review status: criteria provided, single submitter. Criteria: Invitae Variant Classification Sherloc (09022015). Collection method: clinical testing. Allele origin: germline.
Comment: This sequence change replaces glycine, which is neutral and non-polar, with aspartic acid, which is acidic and polar, at codon 21 of the CBL protein (p.Gly21Asp). This variant is not present in population databases (gnomAD no frequency). This variant has not been reported in the literature in individuals affected with CBL-related conditions. Advanced modeling of protein sequence and biophysical properties (such as structural, functional, and spatial information, amino acid conservation, physicochemical variation, residue mobility, and thermodynamic stability) performed at Invitae indicates that this missense variant is not expected to disrupt CBL protein function with a negative predictive value of 95%. In summary, the available evidence is currently insufficient to determine the role of this variant in disease. Therefore, it has been classified as a Variant of Uncertain Significance.

NM_005188.4(CBL):c.62G>A (p.Gly21Asp)

Genes: CBL (Cbl proto-oncogene; plus strand), LOC130006895 (ATAC-STARR-seq lymphoblastoid silent region 3975; plus strand). Cytogenetic location: 11q23.3.
Variant type: single nucleotide variant.
Coding change: c.62G>A on transcript NM_005188.4 (MANE Select); coding-DNA position 62, G replaced by A.
Protein change: p.Gly21Asp; replaces glycine 21 with aspartic acid.
Molecular consequence: missense variant.
Genome position (GRCh38, 1-based): chr11:119,206,479, G>A. VCF-style: chr11-119206479-G-A. GRCh37 (hg19) VCF-style: chr11-119077189-G-A.
Other names: short protein forms G21D.
Identifiers: ClinVar variation 3697898 (VCV003697898.2).